The following is an entry in ClinVar:

NM_021930.6(RINT1):c.1859A>G (p.Asp620Gly)

Gene: RINT1 (RAD50 interactor 1; plus strand). Cytogenetic location: 7q22.3.
Variant type: single nucleotide variant.
Coding change: c.1859A>G on transcript NM_021930.6 (MANE Select); coding-DNA position 1859, A replaced by G.
Protein change: p.Asp620Gly; replaces aspartic acid 620 with glycine.
Molecular consequence: missense variant. On other transcripts: non-coding transcript variant (1).
Genome position (GRCh38, 1-based): chr7:105,563,920, A>G. VCF-style: chr7-105563920-A-G. GRCh37 (hg19) VCF-style: chr7-105204367-A-G.
Other names: c.1625A>G, p.Asp542Gly (NM_001346599.2); c.836A>G, p.Asp279Gly (NM_001346600.2, NM_001346603.2); c.935A>G, p.Asp312Gly (NM_001346601.2); short protein forms D312G, D279G, D620G, D542G.
Identifiers: ClinVar variation 5028267 (VCV005028267.1).

ClinVar aggregate classification (germline): Uncertain significance (1 of 4 stars; one submission).

Submission:

Ambry Genetics
Classification: Uncertain significance. Last evaluated: 2026-06-26. Review status: criteria provided, single submitter. Criteria: Ambry Variant Classification Scheme 2023. Collection method: clinical testing. Allele origin: germline.
Comment: The p.D620G variant (also known as c.1859A>G), located in coding exon 12 of the RINT1 gene, results from an A to G substitution at nucleotide position 1859. The aspartic acid at codon 620 is replaced by glycine, an amino acid with similar properties. This amino acid position is conserved. In addition, this alteration is predicted to be tolerated by in silico analysis. Based on the available evidence, the clinical significance of this variant remains unclear.